The following is an entry in ClinVar:

NM_000138.5(FBN1):c.6025G>A (p.Glu2009Lys)

Gene: FBN1 (fibrillin 1; minus strand). Cytogenetic location: 15q21.1.
Variant type: single nucleotide variant.
Coding change: c.6025G>A on transcript NM_000138.5 (MANE Select); coding-DNA position 6025, G replaced by A.
Protein change: p.Glu2009Lys; replaces glutamic acid 2009 with lysine.
Molecular consequence: missense variant.
Genome position (GRCh38, 1-based): chr15:48,444,553, C>T on the plus strand (G>A on the coding strand, the complement: FBN1 is on the minus strand). VCF-style: chr15-48444553-C-T. GRCh37 (hg19) VCF-style: chr15-48736750-C-T.
Other names: p.E2009K:GAG>AAG; short protein forms E2009K.
Identifiers: ClinVar variation 200190 (VCV000200190.45), dbSNP rs773204216, ClinGen allele CA016215.

ClinVar aggregate classification (germline): Conflicting classifications of pathogenicity. Review status: criteria provided, conflicting classifications (1 of 4 stars). 7 submissions from 7 submitters: Uncertain significance (6); Likely benign (1). Last evaluated 2025-12-19.

Conditions:
MASS syndrome (OCTD). Also called: MASS PHENOTYPE; OVERLAP CONNECTIVE TISSUE DISEASE. Identifiers: MedGen C1858556, MONDO:0011431, OMIM 604308.
Acromicric dysplasia (ACMICD). Also called: Acromicric skeletal dysplasia. Identifiers: Orphanet 969, MedGen C0265287, MONDO:0007055, OMIM 102370.
Progeroid and marfanoid aspect-lipodystrophy syndrome. Also called: MARFANOID-PROGEROID SYNDROME; MARFAN-PROGEROID-LIPODYSTROPHY SYNDROME; MARFANOID-PROGEROID-LIPODYSTROPHY SYNDROME; Marfan lipodystrophy syndrome. Identifiers: Orphanet 300382, MedGen C4310796, MONDO:0014831, OMIM 616914.
Ectopia lentis 1, isolated, autosomal dominant (ECTOL1). Identifiers: Orphanet 1885, MedGen C3541518, MONDO:0007514, OMIM 129600.
Weill-Marchesani syndrome 2, dominant. Also called: Weill-Marchesani Syndrome, Autosomal Dominant; FBN1-Related Weill-Marchesani Syndrome. Identifiers: Orphanet 2084, MedGen C1869115, MONDO:0012013, OMIM 608328.
Geleophysic dysplasia 2 (GPHYSD2). Identifiers: Orphanet 2623, MedGen C3280054, MONDO:0013612, OMIM 614185.
Stiff skin syndrome (SSKS). Identifiers: Orphanet 2833, MedGen C1861456, MONDO:0008492, OMIM 184900.
Marfan syndrome (MFS). Also called: Marfan syndrome type 1; Marfan's syndrome; Marfan syndrome, classic; MARFAN SYNDROME, TYPE I; FBN1-Related Marfan Syndrome. Identifiers: Orphanet 284963, Orphanet 558, MedGen C0024796, MONDO:0007947, OMIM 154700.
Familial thoracic aortic aneurysm and aortic dissection (TAAD). Also called: Thoracic aortic aneurysms and dissections. Identifiers: Orphanet 91387, MedGen C4707243, MONDO:0019625.

Allele frequency attached by ClinVar (database versions not stated): gnomAD exomes below 0.00001 and 0.00001; gnomAD 0.00001; TOPMed 0.00001; ExAC 0.00002.
gnomAD v4.1: 16 of 1,613,346 alleles (0.00099%); highest among the groups gnomAD compares: Admixed American, 0.0017%; no homozygotes.

Submissions (7):

Ambry Genetics
Classification: Uncertain significance for Familial thoracic aortic aneurysm and aortic dissection. Last evaluated: 2025-12-19. Review status: criteria provided, single submitter. Criteria: Ambry Variant Classification Scheme 2023. Collection method: clinical testing. Allele origin: germline.
Comment: The p.E2009K variant (also known as c.6025G>A), located in coding exon 48 of the FBN1 gene, results from a G to A substitution at nucleotide position 6025. The glutamic acid at codon 2009 is replaced by lysine, an amino acid with similar properties. This amino acid position is poorly conserved in available vertebrate species. In addition, the in silico prediction for this alteration is inconclusive. Since supporting evidence is limited at this time, the clinical significance of this alteration remains unclear.

Labcorp Genetics (formerly Invitae), Labcorp
Classification: Likely benign for Marfan syndrome; Familial thoracic aortic aneurysm and aortic dissection. Last evaluated: 2025-12-06. Review status: criteria provided, single submitter. Criteria: Invitae Variant Classification Sherloc (09022015). Collection method: clinical testing. Allele origin: germline.

Color Diagnostics, LLC DBA Color Health
Classification: Uncertain significance for Familial thoracic aortic aneurysm and aortic dissection. Last evaluated: 2024-07-16. Review status: criteria provided, single submitter. Criteria: ACMG Guidelines, 2015. Collection method: clinical testing. Allele origin: germline.
Comment: This missense variant replaces glutamic acid with lysine at codon 2009 of the FBN1 protein. Computational prediction tools indicate that this variant has a neutral impact on protein structure and function. To our knowledge, functional studies have not been reported for this variant. This variant has been reported in an individual affected with Marfan syndrome (DOI:10.15690/vsp.v15i2.1536). This variant has been identified in 1/251152 chromosomes in the general population by the Genome Aggregation Database (gnomAD). The available evidence is insufficient to determine the role of this variant in disease conclusively. Therefore, this variant is classified as a Variant of Uncertain Significance.

All of Us Research Program, National Institutes of Health
Classification: Uncertain significance for Marfan syndrome. Last evaluated: 2024-04-25. Review status: criteria provided, single submitter. Criteria: ACMG Guidelines, 2015. Collection method: clinical testing. Allele origin: germline. Inheritance: Autosomal dominant inheritance. Observed: 9 variant alleles, 9 heterozygotes.
Comment: This missense variant replaces glutamic acid with lysine at codon 2009 of the FBN1 protein. Computational prediction suggests that this variant may not impact protein structure and function (internally defined REVEL score threshold <= 0.5, PMID: 27666373). To our knowledge, functional studies have not been reported for this variant. This variant has been reported in an individual affected with Marfan syndrome (DOI:10.15690/vsp.v15i2.1536). This variant has been identified in 1/251152 chromosomes in the general population by the Genome Aggregation Database (gnomAD). The available evidence is insufficient to determine the role of this variant in disease conclusively. Therefore, this variant is classified as a Variant of Uncertain Significance.

This study involves interpretation of variants in research participants for the purpose of population health screening. Participant phenotype was not available at the time of variant classification. Additional details can be found in publication PMID: 35346344, PMCID: PMC8962531

CeGaT Center for Human Genetics Tuebingen
Classification: Uncertain significance. Last evaluated: 2022-12-01. Review status: criteria provided, single submitter. Criteria: CeGaT Center For Human Genetics Tuebingen Variant Classification Criteria Version 2. Collection method: clinical testing. Allele origin: germline. Affected: yes. Observed: 1 variant allele.
Comment: FBN1: PP2

Fulgent Genetics
Classification: Uncertain significance for Acromicric dysplasia; Ectopia lentis 1, isolated, autosomal dominant; Marfan syndrome; Stiff skin syndrome; MASS syndrome; Weill-Marchesani syndrome 2, dominant; Geleophysic dysplasia 2; Progeroid and marfanoid aspect-lipodystrophy syndrome. Last evaluated: 2021-08-20. Review status: criteria provided, single submitter. Criteria: ACMG Guidelines, 2015. Collection method: clinical testing. Allele origin: unknown.

GeneDx
Classification: Uncertain significance. Last evaluated: 2014-10-31. Review status: criteria provided, single submitter. Criteria: GeneDx Variant Classification (06012015). Collection method: clinical testing. Allele origin: germline. Affected: yes.
Comment: p.Glu2009Lys (GAG>AAG): c.6025 G>A in exon 49 of the FBN1 gene (NM_000138.4) A variant of unknown significance has been identified in the FBN1 gene. The E2009K variant has not been published as a mutation, nor has it been reported as a benign polymorphism to our knowledge. The E2009K variant was not observed in approximately 6,500 individuals of European and African American ancestry in the NHLBI Exome Sequencing Project, indicating it is not a common benign variant in these populations. Missense mutations in nearby residues (C2000S, C2011G, D2013Y) have been reported in association with Marfan syndrome, supporting the functional importance of this region of the protein. Additionally, the E2009K variant is a non-conservative amino acid substitution, which is likely to impact secondary protein structure as these residues differ in polarity, charge, size and/or other properties. However, this substitution occurs at a position that is not conserved across species. Consequently, in silico analysis is inconsistent in its predictions as to whether or not the variant is damaging to the protein structure/function. Therefore, based on the currently available information, it is unclear whether this variant is a pathogenic mutation or a rare benign variant. The variant is found in TAAD panel(s).